The following is an entry in ClinVar:

NM_000051.4(ATM):c.2798C>T (p.Ser933Phe)

Gene: ATM (ATM serine/threonine kinase; plus strand). Cytogenetic location: 11q22.3.
Variant type: single nucleotide variant.
Coding change: c.2798C>T on transcript NM_000051.4 (MANE Select); coding-DNA position 2798, C replaced by T.
Protein change: p.Ser933Phe; replaces serine 933 with phenylalanine.
Molecular consequence: missense variant.
Genome position (GRCh38, 1-based): chr11:108,268,569, C>T. VCF-style: chr11-108268569-C-T. GRCh37 (hg19) VCF-style: chr11-108139296-C-T.
Other names: c.2798C>T, p.Ser933Phe (NM_001351834.2); short protein forms S933F.
Identifiers: ClinVar variation 1796108 (VCV001796108.3), dbSNP rs56087610, ClinGen allele CA382545655.

ClinVar aggregate classification (germline): Uncertain significance (1 of 4 stars; one submission).

Conditions:
Hereditary cancer-predisposing syndrome. Also called: Tumor predisposition; Hereditary Cancer Syndrome; Neoplastic Syndromes, Hereditary; Hereditary neoplastic syndrome. Identifiers: Orphanet 140162, MedGen C0027672, MeSH D009386, MONDO:0015356.

Submission:

Ambry Genetics
Classification: Uncertain significance for Hereditary cancer-predisposing syndrome. Last evaluated: 2024-09-30. Review status: criteria provided, single submitter. Criteria: Ambry Variant Classification Scheme 2023. Collection method: clinical testing. Allele origin: germline.
Comment: The p.S933F variant (also known as c.2798C>T), located in coding exon 17 of the ATM gene, results from a C to T substitution at nucleotide position 2798. The serine at codon 933 is replaced by phenylalanine, an amino acid with highly dissimilar properties. This amino acid position is not well conserved in available vertebrate species. In addition, this alteration is predicted to be tolerated by in silico analysis. Based on the available evidence, the clinical significance of this variant remains unclear.